The following is an entry in ClinVar:

ClinVar aggregate classification (germline): Uncertain significance. Review status: criteria provided, multiple submitters, no conflicts (2 of 4 stars). 2 submissions from 2 submitters: Uncertain significance (2). Last evaluated 2021-01-03.

Conditions:
Ehlers-Danlos syndrome, classic type, 1 (EDSCL1). Also called: EHLERS-DANLOS SYNDROME, GRAVIS TYPE; EHLERS-DANLOS SYNDROME, SEVERE CLASSIC TYPE; Ehlers-Danlos syndrome, type 1; Ehlers-Danlos Syndrome, Classic Type, COL5A1-Related; EDS I. Identifiers: MedGen C0268335, MONDO:0019567, OMIM 130000.
Osteogenesis imperfecta type I (OI1). Also called: OI, TYPE I; OSTEOGENESIS IMPERFECTA TARDA; OSTEOGENESIS IMPERFECTA WITH BLUE SCLERAE; Osteogenesis imperfecta type 1; Lobstein's Disease; Lobstein disease. Identifiers: Orphanet 216796, Orphanet 666, MedGen C0023931, MONDO:0008146, OMIM 166200. Disease mechanism: loss of function.

gnomAD v4.1: 1 of 1,614,156 alleles (0.000062%); highest among the groups gnomAD compares: African/African-American, 0.0013%; no homozygotes.

Submissions (2):

Labcorp Genetics (formerly Invitae), Labcorp
Classification: Uncertain significance for Osteogenesis imperfecta type I; Ehlers-Danlos syndrome, classic type, 1. Last evaluated: 2021-01-03. Review status: criteria provided, single submitter. Criteria: Invitae Variant Classification Sherloc (09022015). Collection method: clinical testing. Allele origin: germline.
Comment: This variant is not present in population databases (ExAC no frequency). This variant has been observed in individual(s) with osteogenesis imperfecta (PMID: 30715774). Algorithms developed to predict the effect of missense changes on protein structure and function are either unavailable or do not agree on the potential impact of this missense change (SIFT: "Deleterious"; PolyPhen-2: "Not Available"; Align-GVGD: "Class C65"). In summary, the available evidence is currently insufficient to determine the role of this variant in disease. Therefore, it has been classified as a Variant of Uncertain Significance. This sequence change replaces arginine with leucine at codon 714 of the COL1A2 protein (p.Arg714Leu). The arginine residue is highly conserved and there is a moderate physicochemical difference between arginine and leucine.

Breakthrough Genomics
Classification: Uncertain significance. Review status: criteria provided, single submitter. Criteria: ACMG Guidelines, 2015. Collection method: not provided. Allele origin: germline. Inheritance: Autosomal recessive inheritance. Affected: yes.

Literature cited by the submitters: PubMed 30715774 (cited by Labcorp Genetics (formerly Invitae), Labcorp).

NM_000089.4(COL1A2):c.2141G>T (p.Arg714Leu)

Gene: COL1A2 (collagen type I alpha 2 chain; plus strand). Cytogenetic location: 7q21.3.
Variant type: single nucleotide variant.
Coding change: c.2141G>T on transcript NM_000089.4 (MANE Select); coding-DNA position 2141, G replaced by T.
Protein change: p.Arg714Leu; replaces arginine 714 with leucine.
Molecular consequence: missense variant.
Genome position (GRCh38, 1-based): chr7:94,420,398, G>T. VCF-style: chr7-94420398-G-T. GRCh37 (hg19) VCF-style: chr7-94049710-G-T.
Other names: short protein forms R714L.
Identifiers: ClinVar variation 1423603 (VCV001423603.9), dbSNP rs773392397, ClinGen allele CA368223332.
Genomic context (GRCh38, chr7:94,420,398, plus strand): 5'-CATTGATGAACCTAGGATTGATAACACATTTTTAAATCCCTTCTCCCACCTAGGGTGAAC[G>T]TGGTGAGGTCGGTCCTGCTGGCCCCAATGGATTTGCTGGTCCTGCTGTGAGTATCACATA-3'
Protein context (NP_000080.2, residues 704-724): PAGPRGSPGE[Arg714Leu]GEVGPAGPNG